The following is an entry in ClinVar:

ClinVar aggregate classification (germline): Pathogenic/Likely pathogenic. Review status: criteria provided, multiple submitters, no conflicts (2 of 4 stars). 2 submissions from 2 submitters: Pathogenic (1); Likely pathogenic (1). Last evaluated 2026-02-21.

Conditions:
EPG5-related disorder. Also called: EPG5-related condition. Identifiers: MedGen CN381528.
Vici syndrome (VICIS). Identifiers: Orphanet 1493, MedGen C1855772, MONDO:0009452, OMIM 242840.

Submissions (2):

PreventionGenetics, part of Exact Sciences
Classification: Likely pathogenic for EPG5-related condition. Last evaluated: 2026-02-21. Review status: criteria provided, single submitter. Criteria: ACMG Guidelines, 2015. Collection method: clinical testing. Allele origin: germline.
Comment: The EPG5 c.3762_3789dup28 variant is predicted to result in a frameshift and premature protein termination (p.Ala1264Tyrfs*2). To our knowledge, this variant has not been reported in the literature. This variant is reported in 0.00088% of alleles in individuals of European (Non-Finnish) descent in gnomAD. Frameshift variants in EPG5 are expected to be pathogenic, and therefore this variant is interpreted as likely pathogenic.

Labcorp Genetics (formerly Invitae), Labcorp
Classification: Pathogenic for Vici syndrome. Last evaluated: 2025-09-14. Review status: criteria provided, single submitter. Criteria: Invitae Variant Classification Sherloc (09022015). Collection method: clinical testing. Allele origin: germline.
Comment: This sequence change creates a premature translational stop signal (p.Ala1264delinsTyr*) in the EPG5 gene. It is expected to result in an absent or disrupted protein product. Loss-of-function variants in EPG5 are known to be pathogenic (PMID: 23222957, 23674064). This variant is present in population databases (no rsID available, gnomAD 0.0009%). This variant has not been reported in the literature in individuals affected with EPG5-related conditions. ClinVar contains an entry for this variant (Variation ID: 466248). For these reasons, this variant has been classified as Pathogenic.

Literature cited by the submitters: PubMed 23222957 (cited by Labcorp Genetics (formerly Invitae), Labcorp); PubMed 23674064 (cited by Labcorp Genetics (formerly Invitae), Labcorp).

NM_020964.3(EPG5):c.3762_3789dup (p.Ala1264delinsTyrTer)

Gene: EPG5 (ectopic P-granules 5 autophagy tethering factor; minus strand). Cytogenetic location: 18q21.1.
Variant type: Duplication.
Coding change: c.3762_3789dup on transcript NM_020964.3 (MANE Select); coding-DNA positions 3762 to 3789, 28 bases duplicated (TATTGAAGGGGAATTGGTGATAAACTCT).
Protein change: p.Ala1264delinsTyrTer.
Molecular consequence: nonsense.
Genome position (GRCh38, 1-based): chr18:45,913,733-45,913,760, AGAGTTTATCACCAATTCCCCTTCAATA duplicated on the plus strand (TATTGAAGGGGAATTGGTGATAAACTCT on the coding strand, the reverse complement: EPG5 is on the minus strand); duplicating any 28 consecutive bases within chr18:45,913,733-45,913,761 gives the same sequence; the c. name uses the placement nearest the transcript's 3' end. VCF-style (leftmost placement, unchanged base first): chr18-45913732-C-CAGAGTTTATCACCAATTCCCCTTCAATA. GRCh37 (hg19) VCF-style: chr18-43493697-C-CAGAGTTTATCACCAATTCCCCTTCAATA.
Other names: c.3762_3789dup, p.Ala1264delinsTyrTer (LRG_1234t1); c.3762_3789dup28 (NM_020964.2).
Identifiers: ClinVar variation 466248 (VCV000466248.7), dbSNP rs1555673890, ClinGen allele CA629481196.